The following is an entry in ClinVar:

ClinVar aggregate classification (germline): Conflicting classifications of pathogenicity. Review status: criteria provided, conflicting classifications (1 of 4 stars). 5 submissions from 5 submitters: Uncertain significance (4); Likely benign (1). Last evaluated 2026-07-01.

Conditions:
Inborn genetic diseases. Identifiers: MedGen C0950123, MeSH D030342.
Smith-Magenis syndrome (SMS). Also called: CHROMOSOME 17p11.2 DELETION SYNDROME. Identifiers: Orphanet 819, MedGen C0795864, MONDO:0008434, OMIM 182290.

Submissions (5):

CeGaT Center for Human Genetics Tuebingen
Classification: Uncertain significance. Last evaluated: 2026-07-01. Review status: criteria provided, single submitter. Criteria: CeGaT Center For Human Genetics Tuebingen Variant Classification Criteria Version 2. Collection method: clinical testing. Allele origin: germline. Affected: yes. Observed: 1 variant allele.
Comment: RAI1: PM2, BP4

3billion
Classification: Likely benign for Smith-Magenis syndrome. Last evaluated: 2024-09-20. Review status: criteria provided, single submitter. Criteria: ACMG Guidelines, 2015. Collection method: clinical testing. Allele origin: germline. Affected: no.
Comment: The variant was identified in at least one patient who was diagnosed with a different variant in another gene and showed no symptoms related to the gene containing the variant in question. Additionally, It was found as homozygous in at least one patient wth no related symptoms.

Ambry Genetics
Classification: Uncertain significance for Inborn genetic diseases. Last evaluated: 2024-01-17. Review status: criteria provided, single submitter. Criteria: Ambry Variant Classification Scheme 2023. Collection method: clinical testing. Allele origin: germline.

Labcorp Genetics (formerly Invitae), Labcorp
Classification: Uncertain significance. Last evaluated: 2022-08-16. Review status: criteria provided, single submitter. Criteria: Invitae Variant Classification Sherloc (09022015). Collection method: clinical testing. Allele origin: germline.
Comment: Algorithms developed to predict the effect of missense changes on protein structure and function are either unavailable or do not agree on the potential impact of this missense change (SIFT: "Deleterious"; PolyPhen-2: "Benign"; Align-GVGD: "Class C0"). In summary, the available evidence is currently insufficient to determine the role of this variant in disease. Therefore, it has been classified as a Variant of Uncertain Significance. ClinVar contains an entry for this variant (Variation ID: 1304227). This variant has not been reported in the literature in individuals affected with RAI1-related conditions. This variant is not present in population databases (gnomAD no frequency). This sequence change replaces proline, which is neutral and non-polar, with leucine, which is neutral and non-polar, at codon 182 of the RAI1 protein (p.Pro182Leu).

GeneDx
Classification: Uncertain significance. Last evaluated: 2021-06-16. Review status: criteria provided, single submitter. Criteria: GeneDx Variant Classification Process June 2021. Collection method: clinical testing. Allele origin: germline. Affected: yes.
Comment: Not observed at significant frequency in large population cohorts (Lek et al., 2016); In silico analysis supports that this missense variant has a deleterious effect on protein structure/function; Has not been previously published as pathogenic or benign to our knowledge; This variant is associated with the following publications: (PMID: 27535533)

NM_030665.4(RAI1):c.545C>T (p.Pro182Leu)

Gene: RAI1 (retinoic acid induced 1; plus strand). Cytogenetic location: 17p11.2.
Variant type: single nucleotide variant.
Coding change: c.545C>T on transcript NM_030665.4 (MANE Select); coding-DNA position 545, C replaced by T.
Protein change: p.Pro182Leu; replaces proline 182 with leucine.
Molecular consequence: missense variant.
Genome position (GRCh38, 1-based): chr17:17,793,493, C>T. VCF-style: chr17-17793493-C-T. GRCh37 (hg19) VCF-style: chr17-17696807-C-T.
Other names: short protein forms P182L.
Identifiers: ClinVar variation 1304227 (VCV001304227.10), dbSNP rs1260037619, ClinGen allele CA398545692.